The following is an entry in ClinVar:

NM_005236.3(ERCC4):c.2406G>A (p.Trp802Ter)

Gene: ERCC4 (ERCC excision repair 4, endonuclease catalytic subunit; plus strand). Cytogenetic location: 16p13.12.
Variant type: single nucleotide variant.
Coding change: c.2406G>A on transcript NM_005236.3 (MANE Select); coding-DNA position 2406, G replaced by A.
Protein change: p.Trp802Ter; replaces tryptophan 802 with a stop codon.
Molecular consequence: nonsense.
Genome position (GRCh38, 1-based): chr16:13,948,002, G>A. VCF-style: chr16-13948002-G-A. GRCh37 (hg19) VCF-style: chr16-14041859-G-A.
Other names: short protein forms W802*.
Identifiers: ClinVar variation 3340578 (VCV003340578.1).
Genomic context (GRCh38, chr16:13,948,002, plus strand): 5'-TGACATTAGTTCCAAACTCACTCTTCTTACACTTCACTTCCCCAGACTACGGATTCTCTG[G>A]TGCCCCTCTCCTCATGCAACGGCGGAGTTGTTTGAGGAGCTGAAACAAAGCAAGCCACAG-3'

ClinVar aggregate classification (germline): Uncertain significance (1 of 4 stars; one submission).

gnomAD v4.1: 9 of 1,613,902 alleles (0.00056%); highest among the groups gnomAD compares: African/African-American, 0.0053%; no homozygotes.

Submission:

GeneDx
Classification: Uncertain significance. Last evaluated: 2023-11-24. Review status: criteria provided, single submitter. Criteria: GeneDx Variant Classification Process June 2021. Collection method: clinical testing. Allele origin: germline. Affected: yes.
Comment: Not observed at significant frequency in large population cohorts (gnomAD); Nonsense variant predicted to result in protein truncation as the last 115 amino acids are lost, although loss-of-function variants have not been reported downstream of this position in the protein; Has not been previously published as pathogenic variant in association with ERCC4-related disorder or benign to our knowledge; This variant is associated with the following publications: (PMID: 29754767)